The following is an entry in ClinVar:

ClinVar aggregate classification (germline): Uncertain significance (1 of 4 stars; one submission).

Allele frequency attached by ClinVar (database versions not stated): gnomAD exomes below 0.00001.
gnomAD v4.1: 1 of 1,611,804 alleles (0.000062%); highest among the groups gnomAD compares: Non-Finnish European, 0.000085%; no homozygotes.

Submission:

Labcorp Genetics (formerly Invitae), Labcorp
Classification: Uncertain significance. Last evaluated: 2021-10-03. Review status: criteria provided, single submitter. Criteria: Invitae Variant Classification Sherloc (09022015). Collection method: clinical testing. Allele origin: germline.
Comment: In summary, the available evidence is currently insufficient to determine the role of this variant in disease. Therefore, it has been classified as a Variant of Uncertain Significance. Algorithms developed to predict the effect of missense changes on protein structure and function output the following: SIFT: "Not Available"; PolyPhen-2: "Benign"; Align-GVGD: "Not Available". The valine amino acid residue is found in multiple mammalian species, which suggests that this missense change does not adversely affect protein function. This variant has not been reported in the literature in individuals affected with C9-related conditions. This variant is not present in population databases (ExAC no frequency). This sequence change replaces isoleucine with valine at codon 498 of the C9 protein (p.Ile498Val). The isoleucine residue is moderately conserved and there is a small physicochemical difference between isoleucine and valine.

NM_001737.5(C9):c.1492A>G (p.Ile498Val)

Gene: C9 (complement C9; minus strand). Cytogenetic location: 5p13.1.
Variant type: single nucleotide variant.
Coding change: c.1492A>G on transcript NM_001737.5 (MANE Select); coding-DNA position 1492, A replaced by G.
Protein change: p.Ile498Val; replaces isoleucine 498 with valine.
Molecular consequence: missense variant.
Genome position (GRCh38, 1-based): chr5:39,288,876, T>C on the plus strand (A>G on the coding strand, the complement: C9 is on the minus strand). VCF-style: chr5-39288876-T-C. GRCh37 (hg19) VCF-style: chr5-39288978-T-C.
Other names: short protein forms I498V.
Identifiers: ClinVar variation 1384372 (VCV001384372.6), dbSNP rs2111836289, ClinGen allele CA359619369.